The following is an entry in ClinVar:

ClinVar aggregate classification (germline): Uncertain significance (1 of 4 stars; one submission).

Conditions:
Spermatogenic failure 18. Identifiers: MedGen C4539783, MONDO:0054615, OMIM 617576.
Ciliary dyskinesia, primary, 37 (CILD37). Also called: CILIARY DYSKINESIA, PRIMARY, 37, WITH OR WITHOUT SITUS INVERSUS. Identifiers: MedGen C4539798, MONDO:0033204, OMIM 617577.

Submission:

Juno Genomics, Hangzhou Juno Genomics, Inc
Classification: Uncertain significance for Ciliary dyskinesia, primary, 37; Spermatogenic failure 18. Review status: criteria provided, single submitter. Criteria: ACMG Guidelines, 2015. Collection method: clinical testing. Allele origin: germline.
Comment: Absent from controls (or at extremely low frequency if recessive) in Genome Aggregation Database.;Multiple lines of computational evidence support a deleterious effect on the gene or gene product.

NM_015512.5(DNAH1):c.11958G>A (p.Glu3986=)

Gene: DNAH1 (dynein axonemal heavy chain 1; plus strand). Cytogenetic location: 3p21.1.
Variant type: single nucleotide variant.
Coding change: c.11958G>A on transcript NM_015512.5 (MANE Select); coding-DNA position 11958, G replaced by A.
Protein change: p.Glu3986=; no amino-acid change (glutamic acid 3986 retained).
Molecular consequence: synonymous variant.
Genome position (GRCh38, 1-based): chr3:52,397,877, G>A. VCF-style: chr3-52397877-G-A. GRCh37 (hg19) VCF-style: chr3-52431893-G-A.
Identifiers: ClinVar variation 5006659 (VCV005006659.2).